The following is an entry in ClinVar:

ClinVar aggregate classification (germline): Uncertain significance. Review status: criteria provided, multiple submitters, no conflicts (2 of 4 stars). 4 submissions from 4 submitters: Uncertain significance (4). Last evaluated 2026-08-11.

Conditions:
TMEM67-related disorder. Also called: TMEM67-related disorders; TMEM67-related condition. Identifiers: MedGen CN239423.
Inborn genetic diseases. Identifiers: MedGen C0950123, MeSH D030342.
Meckel-Gruber syndrome. Also called: DYSENCEPHALIA SPLANCHNOCYSTICA; GRUBER SYNDROME; Dysencephalia splachnocystica. Identifiers: Orphanet 564, MedGen C0265215, MONDO:0018921.
Joubert syndrome. Also called: JOUBERT-BOLTSHAUSER SYNDROME; Familial aplasia of the vermis. Identifiers: Orphanet 475, MedGen C5979921, MONDO:0018772.
Nephronophthisis 11 (NPHP11). Identifiers: Orphanet 84081, MedGen C3150796, MONDO:0013302, OMIM 613550.
Bardet-Biedl syndrome 14 (BBS14). Identifiers: Orphanet 110, MedGen C2673874, MONDO:0014442, OMIM 615991.
RHYNS syndrome. Also called: RETINITIS PIGMENTOSA SYNDROME; RETINITIS PIGMENTOSA, HYPOPITUITARISM, NEPHRONOPHTHISIS, AND MILD SKELETAL DYSPLASIA. Identifiers: Orphanet 140976, MedGen C1865794, MONDO:0011202, OMIM 602152.
Meckel syndrome, type 3 (MKS3). Also called: MECKEL-GRUBER SYNDROME, TYPE 3. Identifiers: Orphanet 564, MedGen C1846357, MONDO:0011821, OMIM 607361.
Joubert syndrome 6 (JBTS6). Identifiers: Orphanet 475, MedGen C1853153, MONDO:0012539, OMIM 610688.
COACH syndrome 1. Identifiers: Orphanet 1454, MedGen C5435651, MONDO:0800103, OMIM 216360, MONDO:0008996.

Allele frequency attached by ClinVar (database versions not stated): gnomAD 0.00003; TOPMed 0.00003; ExAC 0.00004; gnomAD exomes 0.00006 and 0.00008; ESP Exome Variant Server 0.00008.
gnomAD v4.1: 119 of 1,613,364 alleles (0.0074%); highest among the groups gnomAD compares: Non-Finnish European, 0.0095%; no homozygotes.

Submissions (4):

PreventionGenetics, part of Exact Sciences
Classification: Uncertain significance for TMEM67-related condition. Last evaluated: 2026-08-11. Review status: criteria provided, single submitter. Criteria: ACMG Guidelines, 2015. Collection method: clinical testing. Allele origin: germline.
Comment: The TMEM67 c.326A>G variant is predicted to result in the amino acid substitution p.Glu109Gly. To our knowledge, this variant has not been reported in the literature. This variant is reported in 0.013% of alleles in individuals of European (Non-Finnish) descent in gnomAD. At this time, the clinical significance of this variant is uncertain due to the absence of conclusive functional and genetic evidence.

Ambry Genetics
Classification: Uncertain significance for Inborn genetic diseases. Last evaluated: 2025-08-29. Review status: criteria provided, single submitter. Criteria: Ambry Variant Classification Scheme 2023. Collection method: clinical testing. Allele origin: germline.

Labcorp Genetics (formerly Invitae), Labcorp
Classification: Uncertain significance for Joubert syndrome; Meckel-Gruber syndrome. Last evaluated: 2022-07-21. Review status: criteria provided, single submitter. Criteria: Invitae Variant Classification Sherloc (09022015). Collection method: clinical testing. Allele origin: germline.
Comment: This sequence change replaces glutamic acid, which is acidic and polar, with glycine, which is neutral and non-polar, at codon 109 of the TMEM67 protein (p.Glu109Gly). This variant is present in population databases (rs372886148, gnomAD 0.01%). This variant has not been reported in the literature in individuals affected with TMEM67-related conditions. ClinVar contains an entry for this variant (Variation ID: 1438799). Advanced modeling of protein sequence and biophysical properties (such as structural, functional, and spatial information, amino acid conservation, physicochemical variation, residue mobility, and thermodynamic stability) performed at Invitae indicates that this missense variant is not expected to disrupt TMEM67 protein function. In summary, the available evidence is currently insufficient to determine the role of this variant in disease. Therefore, it has been classified as a Variant of Uncertain Significance.

Fulgent Genetics
Classification: Uncertain significance for COACH syndrome 1; RHYNS syndrome; Meckel syndrome, type 3; Joubert syndrome 6; Nephronophthisis 11; Bardet-Biedl syndrome 14. Last evaluated: 2021-10-14. Review status: criteria provided, single submitter. Criteria: ACMG Guidelines, 2015. Collection method: clinical testing. Allele origin: unknown.

NM_153704.6(TMEM67):c.326A>G (p.Glu109Gly)

Gene: TMEM67 (transmembrane protein 67; plus strand). Cytogenetic location: 8q22.1.
Variant type: single nucleotide variant.
Coding change: c.326A>G on transcript NM_153704.6 (MANE Select); coding-DNA position 326, A replaced by G.
Protein change: p.Glu109Gly; replaces glutamic acid 109 with glycine.
Molecular consequence: missense variant. On other transcripts: 5 prime UTR variant (1), non-coding transcript variant (1).
Genome position (GRCh38, 1-based): chr8:93,758,496, A>G. VCF-style: chr8-93758496-A-G. GRCh37 (hg19) VCF-style: chr8-94770724-A-G.
Other names: c.-52A>G (NM_001142301.1); c.326A>G (NM_153704.5); short protein forms E109G.
Identifiers: ClinVar variation 1438799 (VCV001438799.6), dbSNP rs372886148, ClinGen allele CA4807602.